The following is an entry in ClinVar:

NM_001142966.3(GREB1L):c.3668G>T (p.Gly1223Val)

Gene: GREB1L (GREB1 like retinoic acid receptor coactivator; plus strand). Cytogenetic location: 18q11.2.
Variant type: single nucleotide variant.
Coding change: c.3668G>T on transcript NM_001142966.3 (MANE Select); coding-DNA position 3668, G replaced by T.
Protein change: p.Gly1223Val; replaces glycine 1223 with valine.
Molecular consequence: missense variant.
Genome position (GRCh38, 1-based): chr18:21,500,005, G>T. VCF-style: chr18-21500005-G-T. GRCh37 (hg19) VCF-style: chr18-19079966-G-T.
Other names: c.3668G>T (NM_001142966.1); short protein forms G1223V.
Identifiers: ClinVar variation 1665885 (VCV001665885.9), dbSNP rs1339663047, ClinGen allele CA401750939.

ClinVar aggregate classification (germline): Likely benign. Review status: criteria provided, multiple submitters, no conflicts (2 of 4 stars). 2 submissions from 2 submitters: Likely benign (2). Last evaluated 2025-09-08.

Conditions:
GREB1L-related disorder. Also called: GREB1L-related condition.

Allele frequency attached by ClinVar (database versions not stated): gnomAD 0.00002; TOPMed 0.00004; gnomAD exomes 0.00015.
gnomAD v4.1: 35 of 1,551,340 alleles (0.0023%); highest among the groups gnomAD compares: Admixed American, 0.069%; 1 homozygote.

Submissions (2):

Labcorp Genetics (formerly Invitae), Labcorp
Classification: Likely benign. Last evaluated: 2025-09-08. Review status: criteria provided, single submitter. Criteria: Invitae Variant Classification Sherloc (09022015). Collection method: clinical testing. Allele origin: germline.

PreventionGenetics, part of Exact Sciences
Classification: Likely benign for GREB1L-related condition. Last evaluated: 2025-03-05. Review status: criteria provided, single submitter. Criteria: ACMG Guidelines, 2015. Collection method: clinical testing. Allele origin: germline.
Comment: This variant is classified as likely benign based on ACMG/AMP sequence variant interpretation guidelines (Richards et al. 2015 PMID: 25741868, with internal and published modifications).